The following is an entry in ClinVar:

NM_000463.3(UGT1A1):c.442A>G (p.Met148Val)

Genes: UGT1A (UDP glucuronosyltransferase family 1 member A complex locus; plus strand), UGT1A1 (UDP glucuronosyltransferase family 1 member A1; plus strand), UGT1A10 (UDP glucuronosyltransferase family 1 member A10; plus strand), UGT1A3 (UDP glucuronosyltransferase family 1 member A3; plus strand), UGT1A4 (UDP glucuronosyltransferase family 1 member A4; plus strand) and 5 more. Cytogenetic location: 2q37.1.
Variant type: single nucleotide variant.
Coding change: c.442A>G on transcript NM_000463.3 (MANE Select); coding-DNA position 442, A replaced by G.
Protein change: p.Met148Val; replaces methionine 148 with valine.
Molecular consequence: missense variant. On other transcripts: intron variant (9).
Genome position (GRCh38, 1-based): chr2:233,760,729, A>G. VCF-style: chr2-233760729-A-G. GRCh37 (hg19) VCF-style: chr2-234669375-A-G.
Other names: c.856-6305A>G (NM_019076.5, NM_019075.4, NM_021027.3 and 1 more transcripts); c.61-6305A>G (NM_205862.3); c.862-6305A>G (NM_001072.4); c.868-6305A>G (NM_019078.2, NM_007120.3, NM_019093.4); short protein forms M148V.
Identifiers: ClinVar variation 4997401 (VCV004997401.1).
Genomic context (GRCh38, chr2:233,760,729, plus strand): 5'-TCCCACTTACTGCACAACAAGGAGCTCATGGCCTCCCTGGCAGAAAGCAGCTTTGATGTC[A>G]TGCTGACGGACCCTTTCCTTCCTTGCAGCCCCATCGTGGCCCAGTACCTGTCTCTGCCCA-3'
Protein context (NP_000454.1, residues 138-158): ASLAESSFDV[Met148Val]LTDPFLPCSP

ClinVar aggregate classification (germline): Uncertain significance (1 of 4 stars; one submission).

Conditions:
UGT1A1-related disorder. Also called: UGT1A1-related disorders; UGT1A1-related condition.

gnomAD v4.1: 3 of 1,614,196 alleles (0.00019%); highest among the groups gnomAD compares: Admixed American, 0.005%; no homozygotes.

Submission:

PreventionGenetics, part of Exact Sciences
Classification: Uncertain significance for UGT1A1-related condition. Last evaluated: 2025-10-27. Review status: criteria provided, single submitter. Criteria: ACMG Guidelines, 2015. Collection method: clinical testing. Allele origin: germline.
Comment: The UGT1A1 c.442A>G variant is predicted to result in the amino acid substitution p.Met148Val. To our knowledge, this variant has not been reported in the literature. This variant is reported in 0.0087% of alleles in individuals of Latino descent in gnomAD. At this time, the clinical significance of this variant is uncertain due to the absence of conclusive functional and genetic evidence.